The following is an entry in ClinVar:

ClinVar aggregate classification (germline): Uncertain significance. Review status: criteria provided, multiple submitters, no conflicts (2 of 4 stars). 2 submissions from 2 submitters: Uncertain significance (2). Last evaluated 2020-11-02.

Conditions:
Hereditary cancer-predisposing syndrome. Also called: Tumor predisposition; Hereditary neoplastic syndrome; Hereditary Cancer Syndrome; Neoplastic Syndromes, Hereditary. Identifiers: Orphanet 140162, MedGen C0027672, MeSH D009386, MONDO:0015356.
Familial adenomatous polyposis 1 (FAP1). Also called: FAMILIAL ADENOMATOUS POLYPOSIS 1, ATTENUATED; POLYPOSIS, ADENOMATOUS INTESTINAL. Identifiers: MedGen C2713442, MONDO:0021056, OMIM 175100. Disease mechanism: loss of function.

Submissions (2):

Ambry Genetics
Classification: Uncertain significance for Hereditary cancer-predisposing syndrome. Last evaluated: 2020-11-02. Review status: criteria provided, single submitter. Criteria: Ambry Variant Classification Scheme 2023. Collection method: clinical testing. Allele origin: germline.
Comment: The p.S1223F variant (also known as c.3668C>T), located in coding exon 15 of the APC gene, results from a C to T substitution at nucleotide position 3668. The serine at codon 1223 is replaced by phenylalanine, an amino acid with highly dissimilar properties. This amino acid position is not well conserved in available vertebrate species. In addition, in silico predictors for this gene do not accurately predict pathogenicity. Since supporting evidence is limited at this time, the clinical significance of this alteration remains unclear.

Labcorp Genetics (formerly Invitae), Labcorp
Classification: Uncertain significance for Familial adenomatous polyposis 1. Last evaluated: 2019-08-25. Review status: criteria provided, single submitter. Criteria: Invitae Variant Classification Sherloc (09022015). Collection method: clinical testing. Allele origin: germline.
Comment: Algorithms developed to predict the effect of missense changes on protein structure and function are either unavailable or do not agree on the potential impact of this missense change (SIFT: "Deleterious"; PolyPhen-2: "Benign"; Align-GVGD: "Class C0"). This variant has not been reported in the literature in individuals with APC-related conditions. This variant is not present in population databases (ExAC no frequency). This sequence change replaces serine with phenylalanine at codon 1223 of the APC protein (p.Ser1223Phe). The serine residue is moderately conserved and there is a large physicochemical difference between serine and phenylalanine. In summary, the available evidence is currently insufficient to determine the role of this variant in disease. Therefore, it has been classified as a Variant of Uncertain Significance.

NM_000038.6(APC):c.3668C>T (p.Ser1223Phe)

Gene: APC (APC regulator of Wnt signaling pathway; plus strand). Cytogenetic location: 5q22.2.
Variant type: single nucleotide variant.
Coding change: c.3668C>T on transcript NM_000038.6 (MANE Select); coding-DNA position 3668, C replaced by T.
Protein change: p.Ser1223Phe; replaces serine 1223 with phenylalanine.
Molecular consequence: missense variant.
Genome position (GRCh38, 1-based): chr5:112,839,262, C>T. VCF-style: chr5-112839262-C-T. GRCh37 (hg19) VCF-style: chr5-112174959-C-T.
Other names: c.3668C>T, p.Ser1223Phe (NM_001127510.3, NM_001354895.2); c.3614C>T, p.Ser1205Phe (NM_001127511.3); c.3722C>T, p.Ser1241Phe (NM_001354896.2); c.3698C>T, p.Ser1233Phe (NM_001354897.2); c.3593C>T, p.Ser1198Phe (NM_001354898.2); c.3584C>T, p.Ser1195Phe (NM_001354899.2); c.3545C>T, p.Ser1182Phe (NM_001354900.2); c.3491C>T, p.Ser1164Phe (NM_001354901.2); and 5 more; short protein forms S1063F, S1164F, S1182F, S1198F, S1205F, S940F, S1132F, S1195F.
Identifiers: ClinVar variation 963015 (VCV000963015.13), dbSNP rs1765489084, ClinGen allele CA16029385.
Genomic context (GRCh38, chr5:112,839,262, plus strand): 5'-GACAAAGCAGTAAAACCGAACATATGTCTTCAAGCAGTGAGAATACGTCCACACCTTCAT[C>T]TAATGCCAAGAGGCAGAATCAGCTCCATCCAAGTTCTGCACAGAGTAGAAGTGGTCAGCC-3'
Protein context (NP_000029.2, residues 1213-1233): SSSENTSTPS[Ser1223Phe]NAKRQNQLHP